The following is an entry in ClinVar:

NM_000552.5(VWF):c.3946G>T (p.Val1316Leu)

Gene: VWF (von Willebrand factor; minus strand). Cytogenetic location: 12p13.31.
Variant type: single nucleotide variant.
Coding change: c.3946G>T on transcript NM_000552.5 (MANE Select); coding-DNA position 3946, G replaced by T.
Protein change: p.Val1316Leu; replaces valine 1316 with leucine.
Molecular consequence: missense variant.
Genome position (GRCh38, 1-based): chr12:6,019,472, C>A on the plus strand (G>T on the coding strand, the complement: VWF is on the minus strand). VCF-style: chr12-6019472-C-A. GRCh37 (hg19) VCF-style: chr12-6128638-C-A.
Other names: short protein forms V1316L.
Identifiers: ClinVar variation 1703818 (VCV001703818.1), dbSNP rs61749397, ClinGen allele CA383506089.
Genomic context (GRCh38, chr12:6,019,472, plus strand): 5'-GCTTCCGGTCCTTGAGCCCGATGTAGGCGTGGGAGCCGTCGTGGTACTCCACCACGGCCA[C>A]GCGGACCCACTTCTGGGAGATGCGCAGCCGCTCCATCATGTCCACCACAAAGGCCTTCAG-3'
Protein context (NP_000543.3, residues 1306-1326): RLRISQKWVR[Val1316Leu]AVVEYHDGSH

ClinVar aggregate classification (germline): Uncertain significance (1 of 4 stars; one submission).

Conditions:
von Willebrand disease type 1 (VWD1). Also called: VON WILLEBRAND DISEASE, TYPE I; VWD, TYPE 1. Identifiers: Orphanet 166078, Orphanet 903, MedGen C1264039, MONDO:0008668, OMIM 193400. Inheritance: autosomal recessive or autosomal dominant.

Submission:

ISTH-SSC Genomics in Thrombosis and Hemostasis, KU Leuven, Center for Molecular and Vascular Biology
Classification: Uncertain significance for von Willebrand disease type 1. Review status: criteria provided, single submitter. Criteria: ACMG Guidelines, 2015. Collection method: clinical testing. Allele origin: germline. Affected: yes. Observed: 1 heterozygote.
Comment: Submitted to GoldVariant by Kathleen Freson, Center for Molecular and Vascular Biology, Leuven, Belgium